The following is an entry in ClinVar:

ClinVar aggregate classification (germline): Uncertain significance (1 of 4 stars; one submission).

Conditions:
Early-infantile DEE. Also called: Early infantile epileptic encephalopathy; Ohtahara syndrome; Early infantile epileptic encephalopathy with suppression bursts. Identifiers: Orphanet 1934, MedGen C0393706, MONDO:0800491.

Submission:

Labcorp Genetics (formerly Invitae), Labcorp
Classification: Uncertain significance for Early-infantile DEE. Last evaluated: 2023-12-12. Review status: criteria provided, single submitter. Criteria: Invitae Variant Classification Sherloc (09022015). Collection method: clinical testing. Allele origin: germline.
Comment: This sequence change replaces methionine, which is neutral and non-polar, with valine, which is neutral and non-polar, at codon 837 of the KCNH5 protein (p.Met837Val). This variant is not present in population databases (gnomAD no frequency). This variant has not been reported in the literature in individuals affected with KCNH5-related conditions. Advanced modeling of protein sequence and biophysical properties (such as structural, functional, and spatial information, amino acid conservation, physicochemical variation, residue mobility, and thermodynamic stability) performed at Invitae indicates that this missense variant is not expected to disrupt KCNH5 protein function with a negative predictive value of 95%. In summary, the available evidence is currently insufficient to determine the role of this variant in disease. Therefore, it has been classified as a Variant of Uncertain Significance.

NM_139318.5(KCNH5):c.2509A>G (p.Met837Val)

Gene: KCNH5 (potassium voltage-gated channel subfamily H member 5; minus strand). Cytogenetic location: 14q23.2.
Variant type: single nucleotide variant.
Coding change: c.2509A>G on transcript NM_139318.5 (MANE Select); coding-DNA position 2509, A replaced by G.
Protein change: p.Met837Val; replaces methionine 837 with valine.
Molecular consequence: missense variant. On other transcripts: 3 prime UTR variant (1).
Genome position (GRCh38, 1-based): chr14:62,707,966, T>C on the plus strand (A>G on the coding strand, the complement: KCNH5 is on the minus strand). VCF-style: chr14-62707966-T-C. GRCh37 (hg19) VCF-style: chr14-63174684-T-C.
Other names: c.*476A>G (NM_172375.3); short protein forms M837V.
Identifiers: ClinVar variation 2967781 (VCV002967781.3), dbSNP rs2502653482, ClinGen allele CA390100449.